The following is an entry in ClinVar:

ClinVar aggregate classification (germline): Uncertain significance (1 of 4 stars; one submission).

gnomAD v4.1: 3 of 1,614,080 alleles (0.00019%); highest among the groups gnomAD compares: African/African-American, 0.004%; no homozygotes.

Submission:

Labcorp Genetics (formerly Invitae), Labcorp
Classification: Uncertain significance. Last evaluated: 2025-08-20. Review status: criteria provided, single submitter. Criteria: Invitae Variant Classification Sherloc (09022015). Collection method: clinical testing. Allele origin: germline.
Comment: This sequence change replaces serine, which is neutral and polar, with asparagine, which is neutral and polar, at codon 590 of the ALPK1 protein (p.Ser590Asn). This variant is not present in population databases (gnomAD no frequency). This variant has not been reported in the literature in individuals affected with ALPK1-related conditions. Invitae Evidence Modeling of protein sequence and biophysical properties (such as structural, functional, and spatial information, amino acid conservation, physicochemical variation, residue mobility, and thermodynamic stability) indicates that this missense variant is not expected to disrupt ALPK1 protein function with a negative predictive value of 80%. In summary, the available evidence is currently insufficient to determine the role of this variant in disease. Therefore, it has been classified as a Variant of Uncertain Significance.

NM_025144.4(ALPK1):c.1769G>A (p.Ser590Asn)

Gene: ALPK1 (alpha kinase 1; plus strand). Cytogenetic location: 4q25.
Variant type: single nucleotide variant.
Coding change: c.1769G>A on transcript NM_025144.4 (MANE Select); coding-DNA position 1769, G replaced by A.
Protein change: p.Ser590Asn; replaces serine 590 with asparagine.
Molecular consequence: missense variant.
Genome position (GRCh38, 1-based): chr4:112,431,316, G>A. VCF-style: chr4-112431316-G-A. GRCh37 (hg19) VCF-style: chr4-113352472-G-A.
Other names: c.1769G>A, p.Ser590Asn (NM_001102406.2); c.1535G>A, p.Ser512Asn (NM_001253884.2); short protein forms S512N, S590N.
Identifiers: ClinVar variation 4762191 (VCV004762191.1).